The following is an entry in ClinVar:

NM_178857.6(RP1L1):c.187G>A (p.Ala63Thr)

Gene: RP1L1 (RP1 like 1). Cytogenetic location: 8p23.1.
Variant type: single nucleotide variant.
Coding change: c.187G>A on transcript NM_178857.6 (MANE Select); coding-DNA position 187, G replaced by A.
Protein change: p.Ala63Thr; replaces alanine 63 with threonine.
Molecular consequence: missense variant.
Genome position (GRCh38, 1-based): chr8:10,623,015, C>T on the plus strand (G>A on the coding strand, the complement: RP1L1 is on the minus strand). VCF-style: chr8-10623015-C-T. GRCh37 (hg19) VCF-style: chr8-10480525-C-T.
Other names: c.187G>A (NM_178857.5); short protein forms A63T.
Identifiers: ClinVar variation 1992469 (VCV001992469.8), dbSNP rs368569447, ClinGen allele CA4625837.

ClinVar aggregate classification (germline): Uncertain significance. Review status: criteria provided, multiple submitters, no conflicts (2 of 4 stars). 4 submissions from 4 submitters: Uncertain significance (4). Last evaluated 2026-05-26.

Conditions:
RP1L1-related disorder. Also called: RP1L1-related condition.
Inborn genetic diseases. Identifiers: MedGen C0950123, MeSH D030342.

Allele frequency attached by ClinVar (database versions not stated): gnomAD exomes 0.00002; TOPMed 0.00004; ExAC 0.00006; gnomAD 0.00007; ESP Exome Variant Server 0.00008.
gnomAD v4.1: 40 of 1,614,018 alleles (0.0025%); highest among the groups gnomAD compares: East Asian, 0.0089%; no homozygotes.

Submissions (4):

PreventionGenetics, part of Exact Sciences
Classification: Uncertain significance for RP1L1-related condition. Last evaluated: 2026-05-26. Review status: criteria provided, single submitter. Criteria: ACMG Guidelines, 2015. Collection method: clinical testing. Allele origin: germline.
Comment: The RP1L1 c.187G>A variant is predicted to result in the amino acid substitution p.Ala63Thr. To our knowledge, this variant has not been reported in the literature. This variant is reported in 0.017% of alleles in individuals of African descent in gnomAD. At this time, the clinical significance of this variant is uncertain due to the absence of conclusive functional and genetic evidence.

Ambry Genetics
Classification: Uncertain significance for Inborn genetic diseases. Last evaluated: 2025-05-15. Review status: criteria provided, single submitter. Criteria: Ambry Variant Classification Scheme 2023. Collection method: clinical testing. Allele origin: germline.

Dasa
Classification: Uncertain significance. Last evaluated: 2024-12-23. Review status: criteria provided, single submitter. Criteria: DASA Assertion Criteria. Collection method: clinical testing. Allele origin: germline.
Comment: NM_178857.6(RP1L1):c.187G>A (p.Ala63Thr) is a missense variant that results in the substitution of alanine with threonine. This variant is rare in population databases. The currently available literature and clinical evidence are not sufficient to establish a definitive association between this variant and the reported condition. Therefore, this variant is classified as a variant of uncertain significance.

Labcorp Genetics (formerly Invitae), Labcorp
Classification: Uncertain significance. Last evaluated: 2023-12-04. Review status: criteria provided, single submitter. Criteria: Invitae Variant Classification Sherloc (09022015). Collection method: clinical testing. Allele origin: germline.
Comment: This sequence change replaces alanine, which is neutral and non-polar, with threonine, which is neutral and polar, at codon 63 of the RP1L1 protein (p.Ala63Thr). This variant is present in population databases (rs368569447, gnomAD 0.02%). This variant has not been reported in the literature in individuals affected with RP1L1-related conditions. ClinVar contains an entry for this variant (Variation ID: 1992469). Advanced modeling of protein sequence and biophysical properties (such as structural, functional, and spatial information, amino acid conservation, physicochemical variation, residue mobility, and thermodynamic stability) performed at Invitae indicates that this missense variant is not expected to disrupt RP1L1 protein function with a negative predictive value of 80%. In summary, the available evidence is currently insufficient to determine the role of this variant in disease. Therefore, it has been classified as a Variant of Uncertain Significance.